The following is an entry in ClinVar:

NM_000138.5(FBN1):c.3590-1G>A

Gene: FBN1 (fibrillin 1; minus strand). Cytogenetic location: 15q21.1.
Variant type: single nucleotide variant.
Coding change: c.3590-1G>A on transcript NM_000138.5 (MANE Select); the canonical splice acceptor site of the intron before coding-DNA position 3590, G replaced by A.
Molecular consequence: splice acceptor variant.
Genome position (GRCh38, 1-based): chr15:48,485,497, C>T on the plus strand (G>A on the coding strand, the complement: FBN1 is on the minus strand). VCF-style: chr15-48485497-C-T. GRCh37 (hg19) VCF-style: chr15-48777694-C-T.
Other names: c.3590-1G>A (NM_001406716.1).
Identifiers: ClinVar variation 4794800 (VCV004794800.1).

ClinVar aggregate classification (germline): Likely pathogenic (1 of 4 stars; one submission).

Conditions:
Marfan syndrome (MFS). Also called: FBN1-Related Marfan Syndrome; MARFAN SYNDROME, TYPE I; Marfan syndrome type 1; Marfan's syndrome; Marfan syndrome, classic. Identifiers: Orphanet 284963, Orphanet 558, MedGen C0024796, MONDO:0007947, OMIM 154700.
Familial thoracic aortic aneurysm and aortic dissection (TAAD). Also called: Thoracic aortic aneurysms and dissections. Identifiers: Orphanet 91387, MedGen C4707243, MONDO:0019625.

Submission:

Labcorp Genetics (formerly Invitae), Labcorp
Classification: Likely pathogenic for Marfan syndrome; Familial thoracic aortic aneurysm and aortic dissection. Last evaluated: 2025-12-16. Review status: criteria provided, single submitter. Criteria: Invitae Variant Classification Sherloc (09022015). Collection method: clinical testing. Allele origin: germline.
Comment: This sequence change affects an acceptor splice site in intron 29 of the FBN1 gene. It is expected to disrupt RNA splicing. Variants that disrupt the donor or acceptor splice site typically lead to a loss of protein function (PMID: 16199547), and loss-of-function variants in FBN1 are known to be pathogenic (PMID: 17657824, 19293843). This variant is not present in population databases (gnomAD no frequency). Disruption of this splice site has been observed in individual(s) with FBN1-related conditions (PMID: 31830381). Algorithms developed to predict the effect of sequence changes on RNA splicing suggest that this variant may disrupt the consensus splice site. In summary, the currently available evidence indicates that the variant is pathogenic, but additional data are needed to prove that conclusively. Therefore, this variant has been classified as Likely Pathogenic.

Literature cited by the submitters: PubMed 16199547; PubMed 17657824; PubMed 19293843; PubMed 31830381.